The following is an entry in ClinVar:

ClinVar aggregate classification (germline): Uncertain significance (1 of 4 stars; one submission).

Conditions:
Progressive sclerosing poliodystrophy (MTDPS4A). Also called: NEURONAL DEGENERATION OF CHILDHOOD WITH LIVER DISEASE, PROGRESSIVE; Alpers Syndrome; ALPERS DIFFUSE DEGENERATION OF CEREBRAL GRAY MATTER WITH HEPATIC CIRRHOSIS; Alpers-Huttenlocher Syndrome; Mitochondrial DNA Depletion Syndrome 4A; Alpers-Huttenlocher Syndrome (AHS). Identifiers: Orphanet 726, MedGen C0205710, MONDO:0008758, OMIM 203700.

Allele frequency attached by ClinVar (database versions not stated): gnomAD exomes below 0.00001.
gnomAD v4.1: 1 of 1,613,828 alleles (0.000062%); highest among the groups gnomAD compares: Non-Finnish European, 0.000085%; no homozygotes.

Submission:

Labcorp Genetics (formerly Invitae), Labcorp
Classification: Uncertain significance for Progressive sclerosing poliodystrophy. Last evaluated: 2022-09-15. Review status: criteria provided, single submitter. Criteria: Invitae Variant Classification Sherloc (09022015). Collection method: clinical testing. Allele origin: germline.
Comment: In summary, the available evidence is currently insufficient to determine the role of this variant in disease. Therefore, it has been classified as a Variant of Uncertain Significance. Advanced modeling of protein sequence and biophysical properties (such as structural, functional, and spatial information, amino acid conservation, physicochemical variation, residue mobility, and thermodynamic stability) has been performed at Invitae for this missense variant, however the output from this modeling did not meet the statistical confidence thresholds required to predict the impact of this variant on POLG protein function. This variant has not been reported in the literature in individuals affected with POLG-related conditions. This variant is not present in population databases (gnomAD no frequency). This sequence change replaces leucine, which is neutral and non-polar, with proline, which is neutral and non-polar, at codon 283 of the POLG protein (p.Leu283Pro).

NM_002693.3(POLG):c.848T>C (p.Leu283Pro)

Gene: POLG (DNA polymerase gamma, catalytic subunit; minus strand). Cytogenetic location: 15q26.1.
Variant type: single nucleotide variant.
Coding change: c.848T>C on transcript NM_002693.3 (MANE Select); coding-DNA position 848, T replaced by C.
Protein change: p.Leu283Pro; replaces leucine 283 with proline.
Molecular consequence: missense variant.
Genome position (GRCh38, 1-based): chr15:89,330,088, A>G on the plus strand (T>C on the coding strand, the complement: POLG is on the minus strand). VCF-style: chr15-89330088-A-G. GRCh37 (hg19) VCF-style: chr15-89873319-A-G.
Other names: c.848T>C, p.Leu283Pro (NM_001126131.2); short protein forms L283P.
Identifiers: ClinVar variation 1718838 (VCV001718838.6), dbSNP rs2509265023, ClinGen allele CA393766538.
Genomic context (GRCh38, chr15:89,330,088, plus strand): 5'-GGGCTCCTGGCCCATCCCATGCCAGAACCTGCAGTTGGCCCCAGGAACCTTACCTGGATC[A>G]GGTACTGCTCCCTGATATGAGCTCGGTCAAAGGAAACATTGTGCCCCACCACTAACTGCT-3'
Protein context (NP_002684.1, residues 273-293): FDRAHIREQY[Leu283Pro]IQGSRMRFLD